The following is an entry in ClinVar:

ClinVar aggregate classification (germline): Likely benign (0 of 4 stars; one submission).

Conditions:
SMAD7-related disorder. Also called: SMAD7-related condition.

Allele frequency attached by ClinVar (database versions not stated): gnomAD 0.00028; TOPMed 0.00034; ExAC 0.00037; ESP Exome Variant Server 0.00062.

Submission:

PreventionGenetics, part of Exact Sciences
Classification: Likely benign for SMAD7-related condition. Last evaluated: 2024-01-26. Review status: no assertion criteria provided. Collection method: clinical testing. Allele origin: germline.
Comment: This variant is classified as likely benign based on ACMG/AMP sequence variant interpretation guidelines (Richards et al. 2015 PMID: 25741868, with internal and published modifications).

NM_005904.4(SMAD7):c.*5G>A

Gene: SMAD7 (SMAD family member 7; minus strand). Cytogenetic location: 18q21.1.
Variant type: single nucleotide variant.
Coding change: c.*5G>A on transcript NM_005904.4 (MANE Select); 5 bases downstream of the stop codon, G replaced by A.
Molecular consequence: 3 prime UTR variant.
Genome position (GRCh38, 1-based): chr18:48,921,367, C>T on the plus strand (G>A on the coding strand, the complement: SMAD7 is on the minus strand). VCF-style: chr18-48921367-C-T. GRCh37 (hg19) VCF-style: chr18-46447737-C-T.
Other names: c.*5G>A (NM_001190821.2, NM_001190822.2, NM_001190823.2).
Identifiers: ClinVar variation 3057645 (VCV003057645.2), dbSNP rs369794757, ClinGen allele CA8957589.